The following is an entry in ClinVar:

ClinVar aggregate classification (germline): Benign/Likely benign. Review status: criteria provided, multiple submitters, no conflicts (2 of 4 stars). 10 submissions from 10 submitters: Benign (4); Likely benign (5). 1 of the submissions does not count toward it. Last evaluated 2026-09-01.

Conditions:
CDH23-related disorder. Also called: CDH23-related disorders; CDH23-related condition.
Autosomal recessive nonsyndromic hearing loss 12. Also called: DEAFNESS, AUTOSOMAL RECESSIVE 12. Identifiers: Orphanet 90636, MedGen C1832394, MONDO:0011067, OMIM 601386.
Usher syndrome type 1D (USH1D). Also called: USHER SYNDROME, TYPE ID. Identifiers: Orphanet 231169, Orphanet 886, MedGen C1832845, MONDO:0010984, OMIM 601067.
Pituitary adenoma 5, multiple types. Identifiers: MedGen C4539685, MONDO:0054601, OMIM 617540.
Usher syndrome type 1 (USH1). Also called: RETINITIS PIGMENTOSA AND CONGENITAL DEAFNESS. Identifiers: Orphanet 231169, Orphanet 886, MedGen C1568247, MONDO:0010168, OMIM 276900.

Allele frequency attached by ClinVar (database versions not stated): ExAC 0.00422; ESP Exome Variant Server 0.00481; gnomAD 0.00518 and 0.00505; TOPMed 0.00537; gnomAD exomes 0.00689 and 0.00440; 1000 Genomes Project 30x 0.00312; 1000 Genomes Project 0.00260.
gnomAD v4.1: 10,755 of 1,613,580 alleles (0.67%); highest among the groups gnomAD compares: Non-Finnish European, 0.83%; 53 homozygotes.

Submissions (10):

CeGaT Center for Human Genetics Tuebingen
Classification: Likely benign. Last evaluated: 2026-09-01. Review status: criteria provided, single submitter. Criteria: CeGaT Center For Human Genetics Tuebingen Variant Classification Criteria Version 2. Collection method: clinical testing. Allele origin: germline. Affected: yes. Observed: 35 variant alleles.
Comment: CDH23: BP4, BS2

Blueprint Genetics
Classification: Likely benign. Last evaluated: 2024-11-25. Review status: criteria provided, single submitter. Criteria: ACMG Guidelines, 2015. Collection method: clinical testing. Allele origin: germline.

Labcorp Genetics (formerly Invitae), Labcorp
Classification: Benign. Last evaluated: 2023-09-08. Review status: criteria provided, single submitter. Criteria: Invitae Variant Classification Sherloc (09022015). Collection method: clinical testing. Allele origin: germline.

Fulgent Genetics
Classification: Likely benign for Usher syndrome type 1D; Autosomal recessive nonsyndromic hearing loss 12; Pituitary adenoma 5, multiple types. Last evaluated: 2021-11-23. Review status: criteria provided, single submitter. Criteria: ACMG Guidelines, 2015. Collection method: clinical testing. Allele origin: unknown.

Department of Pathology and Laboratory Medicine, Sinai Health System
Classification: Benign for Usher syndrome type 1. Last evaluated: 2021-09-08. Review status: criteria provided, single submitter. Criteria: ACMG Guidelines, 2015. Collection method: research. Allele origin: germline.

GeneDx
Classification: Likely benign. Last evaluated: 2020-06-16. Review status: criteria provided, single submitter. Criteria: GeneDx Variant Classification Process June 2021. Collection method: clinical testing. Allele origin: germline. Affected: yes.
Comment: This variant is associated with the following publications: (PMID: 32707200)

Athena Diagnostics
Classification: Benign. Last evaluated: 2019-03-11. Review status: criteria provided, single submitter. Criteria: Athena Diagnostics Criteria. Collection method: clinical testing. Allele origin: germline.

Laboratory for Molecular Medicine, Mass General Brigham Personalized Medicine
Classification: Benign. Last evaluated: 2013-01-30. Review status: criteria provided, single submitter. Criteria: LMM Criteria. Collection method: clinical testing. Allele origin: germline. Observed: 23 variant alleles.
Comment: Pro509Thr in exon 14 of CDH23: This variant is not expected to have clinical sig nificance because it has been identified in 0.7% (56/8306) of European American chromosomes from a broad population by the NHLBI Exome Sequencing Project (dbSNP rs41281304).

Breakthrough Genomics
Classification: Likely benign. Review status: criteria provided, single submitter. Criteria: ACMG Guidelines, 2015. Collection method: not provided. Allele origin: germline. Inheritance: Autosomal recessive inheritance. Affected: yes.

PreventionGenetics, part of Exact Sciences
Classification: Likely benign for CDH23-related condition. Last evaluated: 2019-07-17. Review status: no assertion criteria provided. Collection method: clinical testing. Allele origin: germline. Not counted in ClinVar's aggregate classification.
Comment: This variant is classified as likely benign based on ACMG/AMP sequence variant interpretation guidelines (Richards et al. 2015 PMID: 25741868, with internal and published modifications).

NM_022124.6(CDH23):c.1449+76C>A

Gene: CDH23 (cadherin related 23; plus strand). Cytogenetic location: 10q22.1.
Variant type: single nucleotide variant.
Coding change: c.1449+76C>A on transcript NM_022124.6 (MANE Select); 76 bases into the intron after coding-DNA position 1449, C replaced by A.
Molecular consequence: intron variant. On other transcripts: missense variant (1).
Genome position (GRCh38, 1-based): chr10:71,646,693, C>A. VCF-style: chr10-71646693-C-A. GRCh37 (hg19) VCF-style: chr10-73406450-C-A.
Other names: c.1525C>A, p.Pro509Thr (NM_052836.4); c.1449+76C>A (NM_001171930.2, NM_001171931.2); short protein forms P509T.
Identifiers: ClinVar variation 45871 (VCV000045871.52), dbSNP rs41281304, ClinGen allele CA137279.
Genomic context (GRCh38, chr10:71,646,693, plus strand): 5'-ACTGCAGGGCCACTGAGCTCTCCAGGGCCGACTGTGGTGAGGCACCCAGAGGGATTTTGT[C>A]CAAGGGACCTCAGCAATCAGGGAAGGAGGCACCCCCAAATCCCTGAGCTGTGTTTGTTGG-3'